The following is an entry in ClinVar:

ClinVar aggregate classification (germline): Uncertain significance. Review status: criteria provided, multiple submitters, no conflicts (2 of 4 stars). 2 submissions from 2 submitters: Uncertain significance (2). Last evaluated 2025-07-15.

Conditions:
Erythrocytosis, familial, 3 (ECYT3). Identifiers: Orphanet 247511, MedGen C1853286, MONDO:0012353, OMIM 609820.

Allele frequency attached by ClinVar (database versions not stated): TOPMed below 0.00001; ExAC 0.00001; gnomAD exomes 0.00001 and 0.00002.
gnomAD v4.1: 11 of 1,613,248 alleles (0.00068%); highest among the groups gnomAD compares: Admixed American, 0.0033%; no homozygotes.

Submissions (2):

Labcorp Genetics (formerly Invitae), Labcorp
Classification: Uncertain significance for Erythrocytosis, familial, 3. Last evaluated: 2025-07-15. Review status: criteria provided, single submitter. Criteria: Invitae Variant Classification Sherloc (09022015). Collection method: clinical testing. Allele origin: germline.
Comment: This sequence change replaces arginine, which is basic and polar, with cysteine, which is neutral and slightly polar, at codon 312 of the EGLN1 protein (p.Arg312Cys). This variant is present in population databases (rs748814440, gnomAD 0.006%). This variant has not been reported in the literature in individuals affected with EGLN1-related conditions. ClinVar contains an entry for this variant (Variation ID: 1356650). An algorithm developed to predict the effect of missense changes on protein structure and function (PolyPhen-2) suggests that this variant is likely to be disruptive. In summary, the available evidence is currently insufficient to determine the role of this variant in disease. Therefore, it has been classified as a Variant of Uncertain Significance.

Ambry Genetics
Classification: Uncertain significance. Last evaluated: 2025-04-25. Review status: criteria provided, single submitter. Criteria: Ambry Variant Classification Scheme 2023. Collection method: clinical testing. Allele origin: germline.
Comment: The p.R312C variant (also known as c.934C>T), located in coding exon 2 of the EGLN1 gene, results from a C to T substitution at nucleotide position 934. The arginine at codon 312 is replaced by cysteine, an amino acid with highly dissimilar properties. This amino acid position is highly conserved in available vertebrate species. In addition, the in silico prediction for this alteration is inconclusive. Since supporting evidence is limited at this time, the clinical significance of this alteration remains unclear.

NM_022051.3(EGLN1):c.934C>T (p.Arg312Cys)

Gene: EGLN1 (egl-9 family hypoxia inducible factor 1; minus strand). Cytogenetic location: 1q42.2.
Variant type: single nucleotide variant.
Coding change: c.934C>T on transcript NM_022051.3 (MANE Select); coding-DNA position 934, C replaced by T.
Protein change: p.Arg312Cys; replaces arginine 312 with cysteine.
Molecular consequence: missense variant.
Genome position (GRCh38, 1-based): chr1:231,374,057, G>A on the plus strand (C>T on the coding strand, the complement: EGLN1 is on the minus strand). VCF-style: chr1-231374057-G-A. GRCh37 (hg19) VCF-style: chr1-231509803-G-A.
Other names: c.934C>T, p.Arg312Cys (NM_001377260.1, NM_001377261.1); short protein forms R312C.
Identifiers: ClinVar variation 1356650 (VCV001356650.11), dbSNP rs748814440, ClinGen allele CA1453056.